The following is an entry in ClinVar:

ClinVar aggregate classification (germline): Uncertain significance (1 of 4 stars; one submission).

Allele frequency attached by ClinVar (database versions not stated): gnomAD 0.00001.
gnomAD v4.1: 1 of 1,611,706 alleles (0.000062%); highest among the groups gnomAD compares: Non-Finnish European, 0.000085%; no homozygotes.

Submission:

Labcorp Genetics (formerly Invitae), Labcorp
Classification: Uncertain significance. Last evaluated: 2022-01-16. Review status: criteria provided, single submitter. Criteria: Invitae Variant Classification Sherloc (09022015). Collection method: clinical testing. Allele origin: germline.
Comment: In summary, the available evidence is currently insufficient to determine the role of this variant in disease. Therefore, it has been classified as a Variant of Uncertain Significance. Algorithms developed to predict the effect of missense changes on protein structure and function are either unavailable or do not agree on the potential impact of this missense change (SIFT: "Tolerated"; PolyPhen-2: "Not Available"; Align-GVGD: "Class C0"). This sequence change replaces asparagine, which is neutral and polar, with serine, which is neutral and polar, at codon 92 of the MYO6 protein (p.Asn92Ser). This variant is present in population databases (no rsID available, gnomAD 0.007%). This variant has not been reported in the literature in individuals affected with MYO6-related conditions.

NM_004999.4(MYO6):c.275A>G (p.Asn92Ser)

Gene: MYO6 (myosin VI; plus strand). Cytogenetic location: 6q14.1.
Variant type: single nucleotide variant.
Coding change: c.275A>G on transcript NM_004999.4 (MANE Select); coding-DNA position 275, A replaced by G.
Protein change: p.Asn92Ser; replaces asparagine 92 with serine.
Molecular consequence: missense variant. On other transcripts: non-coding transcript variant (2).
Genome position (GRCh38, 1-based): chr6:75,830,429, A>G. VCF-style: chr6-75830429-A-G. GRCh37 (hg19) VCF-style: chr6-76540146-A-G.
Other names: c.275A>G, p.Asn92Ser (NM_001300899.2, NM_001368136.1, NM_001368137.1 and 5 more transcripts); short protein forms N92S.
Identifiers: ClinVar variation 2071168 (VCV002071168.4), dbSNP rs1265054734, ClinGen allele CA364765569.